The following is an entry in ClinVar:

NM_001384732.1(CPLANE1):c.1780del (p.Met594fs)

Gene: CPLANE1 (ciliogenesis and planar polarity effector complex subunit 1; minus strand). Cytogenetic location: 5p13.2.
Variant type: Deletion.
Coding change: c.1780del on transcript NM_001384732.1 (MANE Select); coding-DNA position 1780, one base deleted (A; older notation c.1780delA).
Protein change: p.Met594fs; shifts the reading frame from methionine 594.
Molecular consequence: frameshift variant.
Genome position (GRCh38, 1-based): chr5:37,226,815, T deleted on the plus strand (A on the coding strand, the reverse complement: CPLANE1 is on the minus strand); the first of 2 consecutive T bases (chr5:37,226,815-37,226,816); deleting either gives the same sequence. VCF-style (leftmost placement, unchanged base first): chr5-37226814-AT-A. GRCh37 (hg19) VCF-style: chr5-37226916-AT-A.
Other names: c.1780del, p.Met594fs (NM_023073.4); short protein forms M594fs.
Identifiers: ClinVar variation 2201171 (VCV002201171.5), dbSNP rs1317702489, ClinGen allele CA559295639.
Genomic context (GRCh38, chr5:37,226,814, plus strand): 5'-CATTTTATAAATTGAAGAATGTAAAAAAAATGAGTGATACAAACTACTATGTAATTTAAC[AT>A]TAAATTTTTTTCTGTCACAGTTTTTGAAATTCCTATAGTCCACGCTGCAAGTAGACTTTT-3'

ClinVar aggregate classification (germline): Pathogenic/Likely pathogenic. Review status: criteria provided, multiple submitters, no conflicts (2 of 4 stars). 2 submissions from 2 submitters: Pathogenic (1); Likely pathogenic (1). Last evaluated 2025-10-13.

Conditions:
C5ORF42 & CPLANE1-related disorders.

Submissions (2):

Labcorp Genetics (formerly Invitae), Labcorp
Classification: Pathogenic. Last evaluated: 2025-10-13. Review status: criteria provided, single submitter. Criteria: Invitae Variant Classification Sherloc (09022015). Collection method: clinical testing. Allele origin: germline.
Comment: This sequence change creates a premature translational stop signal (p.Met594Cysfs*2) in the CPLANE1 gene. It is expected to result in an absent or disrupted protein product. Loss-of-function variants in CPLANE1 are known to be pathogenic (PMID: 24178751, 26092869). This variant is present in population databases (no rsID available, gnomAD 0.002%). This variant has not been reported in the literature in individuals affected with CPLANE1-related conditions. ClinVar contains an entry for this variant (Variation ID: 2201171). For these reasons, this variant has been classified as Pathogenic.

Blueprint Genetics
Classification: Likely pathogenic for C5ORF42 & CPLANE1-related disorders. Last evaluated: 2023-03-14. Review status: criteria provided, single submitter. Criteria: ACMG Guidelines, 2015. Collection method: clinical testing. Allele origin: germline. Affected: yes. Observed: 3 variant alleles.

Literature cited by the submitters: PubMed 24178751 (cited by Labcorp Genetics (formerly Invitae), Labcorp); PubMed 26092869 (cited by Labcorp Genetics (formerly Invitae), Labcorp).